The following is an entry in ClinVar:

ClinVar aggregate classification (germline): Benign/Likely benign. Review status: criteria provided, multiple submitters, no conflicts (2 of 4 stars). 9 submissions from 9 submitters: Benign (1); Likely benign (5). 3 of the submissions do not count toward it. Last evaluated 2026-03-01.

Conditions:
Joubert syndrome. Also called: JOUBERT-BOLTSHAUSER SYNDROME; Familial aplasia of the vermis. Identifiers: Orphanet 475, MedGen C5979921, MONDO:0018772.

Allele frequency attached by ClinVar (database versions not stated): gnomAD exomes 0.00013 and 0.00032; ExAC 0.00042; ESP Exome Variant Server 0.00076; TOPMed 0.00132; gnomAD 0.00137 and 0.00147; 1000 Genomes Project 0.00200; 1000 Genomes Project 30x 0.00250.
gnomAD v4.1: 405 of 1,613,382 alleles (0.025%); highest among the groups gnomAD compares: African/African-American, 0.47%; 1 homozygote.

Submissions (9):

CeGaT Center for Human Genetics Tuebingen
Classification: Likely benign. Last evaluated: 2026-03-01. Review status: criteria provided, single submitter. Criteria: CeGaT Center For Human Genetics Tuebingen Variant Classification Criteria Version 2. Collection method: clinical testing. Allele origin: germline. Affected: yes. Observed: 2 variant alleles.
Comment: AHI1: BP4, BP7

Labcorp Genetics (formerly Invitae), Labcorp
Classification: Benign for Joubert syndrome. Last evaluated: 2026-01-30. Review status: criteria provided, single submitter. Criteria: Invitae Variant Classification Sherloc (09022015). Collection method: clinical testing. Allele origin: germline.

Blueprint Genetics
Classification: Likely benign. Last evaluated: 2024-10-03. Review status: criteria provided, single submitter. Criteria: ACMG Guidelines, 2015. Collection method: clinical testing. Allele origin: germline.

GeneDx
Classification: Likely benign. Last evaluated: 2020-12-04. Review status: criteria provided, single submitter. Criteria: GeneDx Variant Classification Process June 2021. Collection method: clinical testing. Allele origin: germline. Affected: yes.

Eurofins Ntd Llc (ga)
Classification: Likely benign. Last evaluated: 2015-05-27. Review status: criteria provided, single submitter. Criteria: EGL Classification Definitions 2015. Collection method: clinical testing. Allele origin: germline. Observed: 1 variant allele, 1 heterozygote.

PreventionGenetics, part of Exact Sciences
Classification: Likely benign. Review status: criteria provided, single submitter. Criteria: ACMG Guidelines, 2015. Collection method: clinical testing. Allele origin: germline.

Clinical Genetics DNA and cytogenetics Diagnostics Lab, Erasmus MC, Erasmus Medical Center
Classification: Likely benign. Review status: no assertion criteria provided. Collection method: clinical testing. Allele origin: germline. Affected: yes. Study: VKGL Data-share Consensus. Not counted in ClinVar's aggregate classification.

Clinical Genetics, Academic Medical Center
Classification: Benign. Review status: no assertion criteria provided. Collection method: clinical testing. Allele origin: germline. Affected: yes. Study: VKGL Data-share Consensus. Not counted in ClinVar's aggregate classification.

Genetic Services Laboratory, University of Chicago
Classification: Likely benign for AllHighlyPenetrant. Review status: no assertion criteria provided. Collection method: clinical testing. Allele origin: germline. Inheritance: Autosomal recessive inheritance. Not counted in ClinVar's aggregate classification.
Comment: Likely benign based on allele frequency in 1000 Genomes Project or ESP global frequency and its presence in a patient with a rare or unrelated disease phenotype. NOT Sanger confirmed.

NM_001134831.2(AHI1):c.72T>C (p.Ser24=)

Gene: AHI1 (Abelson helper integration site 1; minus strand). Cytogenetic location: 6q23.3.
Variant type: single nucleotide variant.
Coding change: c.72T>C on transcript NM_001134831.2 (MANE Select); coding-DNA position 72, T replaced by C.
Protein change: p.Ser24=; no amino-acid change (serine 24 retained).
Molecular consequence: synonymous variant.
Genome position (GRCh38, 1-based): chr6:135,490,686, A>G on the plus strand (T>C on the coding strand, the complement: AHI1 is on the minus strand). VCF-style: chr6-135490686-A-G. GRCh37 (hg19) VCF-style: chr6-135811824-A-G.
Other names: c.72T>C, p.Ser24= (NM_001134830.2, NM_001134832.2, NM_001350503.2 and 2 more transcripts).
Identifiers: ClinVar variation 128321 (VCV000128321.33), dbSNP rs73777558, ClinGen allele CA151693.